The following is an entry in ClinVar:

ClinVar aggregate classification (germline): Uncertain significance (1 of 4 stars; one submission).

Conditions:
MED12L-related disorder. Also called: MED12L-related condition.

Submission:

PreventionGenetics, part of Exact Sciences
Classification: Uncertain significance for MED12L-related condition. Last evaluated: 2023-08-22. Review status: criteria provided, single submitter. Criteria: ACMG Guidelines, 2015. Collection method: clinical testing. Allele origin: germline.
Comment: The MED12L c.5966A>G variant is predicted to result in the amino acid substitution p.Gln1989Arg. To our knowledge, this variant has not been reported in the literature or in a large population database, indicating this variant is rare. At this time, the clinical significance of this variant is uncertain due to the absence of conclusive functional and genetic evidence.

NM_001393769.1(MED12L):c.6071A>G (p.Gln2024Arg)

Gene: MED12L (mediator complex subunit 12L; plus strand). Cytogenetic location: 3q25.1.
Variant type: single nucleotide variant.
Coding change: c.6071A>G on transcript NM_001393769.1 (MANE Select); coding-DNA position 6071, A replaced by G.
Protein change: p.Gln2024Arg; replaces glutamine 2024 with arginine.
Molecular consequence: missense variant.
Genome position (GRCh38, 1-based): chr3:151,411,438, A>G. VCF-style: chr3-151411438-A-G. GRCh37 (hg19) VCF-style: chr3-151129226-A-G.
Other names: c.5966A>G, p.Gln1989Arg (NM_053002.6); short protein forms Q1989R, Q2024R.
Identifiers: ClinVar variation 2630836 (VCV002630836.1), dbSNP rs2474209969, ClinGen allele CA354981863.